The following is an entry in ClinVar:

NM_001127208.3(TET2):c.4760A>G (p.Asp1587Gly)

Genes: TET2 (tet methylcytosine dioxygenase 2; plus strand), TET2-AS1 (TET2 antisense RNA 1; minus strand). Cytogenetic location: 4q24.
Variant type: single nucleotide variant.
Coding change: c.4760A>G on transcript NM_001127208.3 (MANE Select); coding-DNA position 4760, A replaced by G.
Protein change: p.Asp1587Gly; replaces aspartic acid 1587 with glycine.
Molecular consequence: missense variant.
Genome position (GRCh38, 1-based): chr4:105,275,270, A>G. VCF-style: chr4-105275270-A-G. GRCh37 (hg19) VCF-style: chr4-106196427-A-G.
Other names: short protein forms D1587G.
Identifiers: ClinVar variation 2721643 (VCV002721643.1), dbSNP rs1175254805, ClinGen allele CA357813325.

ClinVar aggregate classification (germline): Uncertain significance (1 of 4 stars; one submission).

Allele frequency attached by ClinVar (database versions not stated): gnomAD exomes below 0.00001; gnomAD 0.00003; TOPMed 0.00007.
gnomAD v4.1: 5 of 1,552,168 alleles (0.00032%); highest among the groups gnomAD compares: Admixed American, 0.0098%; no homozygotes.

Submission:

Labcorp Genetics (formerly Invitae), Labcorp
Classification: Uncertain significance. Last evaluated: 2024-01-22. Review status: criteria provided, single submitter. Criteria: Invitae Variant Classification Sherloc (09022015). Collection method: clinical testing. Allele origin: germline.
Comment: This sequence change replaces aspartic acid, which is acidic and polar, with glycine, which is neutral and non-polar, at codon 1587 of the TET2 protein (p.Asp1587Gly). This variant is not present in population databases (gnomAD no frequency). This variant has not been reported in the literature in individuals affected with TET2-related conditions. An algorithm developed to predict the effect of missense changes on protein structure and function (PolyPhen-2) suggests that this variant¬†is likely to be tolerated. Algorithms developed to predict the effect of sequence changes on RNA splicing suggest that this variant may create or strengthen a splice site. In summary, the available evidence is currently insufficient to determine the role of this variant in disease. Therefore, it has been classified as a Variant of Uncertain Significance.